The following is an entry in ClinVar:

NM_005732.4(RAD50):c.3076A>C (p.Lys1026Gln)

Gene: RAD50 (RAD50 double strand break repair protein; plus strand). Cytogenetic location: 5q31.1.
Variant type: single nucleotide variant.
Coding change: c.3076A>C on transcript NM_005732.4 (MANE Select); coding-DNA position 3076, A replaced by C.
Protein change: p.Lys1026Gln; replaces lysine 1026 with glutamine.
Molecular consequence: missense variant.
Genome position (GRCh38, 1-based): chr5:132,616,042, A>C. VCF-style: chr5-132616042-A-C. GRCh37 (hg19) VCF-style: chr5-131951734-A-C.
Other names: short protein forms K1026Q.
Identifiers: ClinVar variation 141431 (VCV000141431.14), dbSNP rs587781740, ClinGen allele CA165390.

ClinVar aggregate classification (germline): Uncertain significance. Review status: criteria provided, multiple submitters, no conflicts (2 of 4 stars). 2 submissions from 2 submitters: Uncertain significance (2). Last evaluated 2024-08-15.

Conditions:
Hereditary cancer-predisposing syndrome. Also called: Neoplastic Syndromes, Hereditary; Tumor predisposition; Hereditary Cancer Syndrome; Hereditary neoplastic syndrome. Identifiers: Orphanet 140162, MedGen C0027672, MeSH D009386, MONDO:0015356.

Allele frequency attached by ClinVar (database versions not stated): ExAC 0.00001; gnomAD 0.00001; gnomAD exomes 0.00001; TOPMed 0.00002.
gnomAD v4.1: 26 of 1,603,372 alleles (0.0016%); highest among the groups gnomAD compares: Non-Finnish European, 0.0022%; no homozygotes.

Submissions (2):

Labcorp Genetics (formerly Invitae), Labcorp
Classification: Uncertain significance for Hereditary cancer-predisposing syndrome. Last evaluated: 2024-08-15. Review status: criteria provided, single submitter. Criteria: Invitae Variant Classification Sherloc (09022015). Collection method: clinical testing. Allele origin: germline.
Comment: This sequence change replaces lysine, which is basic and polar, with glutamine, which is neutral and polar, at codon 1026 of the RAD50 protein (p.Lys1026Gln). This variant is present in population databases (rs587781740, gnomAD 0.002%). This variant has not been reported in the literature in individuals affected with RAD50-related conditions. ClinVar contains an entry for this variant (Variation ID: 141431). Invitae Evidence Modeling of protein sequence and biophysical properties (such as structural, functional, and spatial information, amino acid conservation, physicochemical variation, residue mobility, and thermodynamic stability) indicates that this missense variant is not expected to disrupt RAD50 protein function with a negative predictive value of 80%. In summary, the available evidence is currently insufficient to determine the role of this variant in disease. Therefore, it has been classified as a Variant of Uncertain Significance.

Ambry Genetics
Classification: Uncertain significance for Hereditary cancer-predisposing syndrome. Last evaluated: 2023-06-26. Review status: criteria provided, single submitter. Criteria: Ambry Variant Classification Scheme 2023. Collection method: clinical testing. Allele origin: germline.
Comment: The p.K1026Q variant (also known as c.3076A>C), located in coding exon 20 of the RAD50 gene, results from an A to C substitution at nucleotide position 3076. The lysine at codon 1026 is replaced by glutamine, an amino acid with similar properties. This amino acid position is highly conserved in available vertebrate species. In addition, this alteration is predicted to be tolerated by in silico analysis. Since supporting evidence is limited at this time, the clinical significance of this alteration remains unclear.